The following is an entry in ClinVar:

NM_002677.5(PMP2):c.155T>C (p.Ile52Thr)

Gene: PMP2 (peripheral myelin protein 2; minus strand). Cytogenetic location: 8q21.13.
Variant type: single nucleotide variant.
Coding change: c.155T>C on transcript NM_002677.5 (MANE Select); coding-DNA position 155, T replaced by C.
Protein change: p.Ile52Thr; replaces isoleucine 52 with threonine.
Molecular consequence: missense variant. On other transcripts: intron variant (1).
Genome position (GRCh38, 1-based): chr8:81,444,908, A>G on the plus strand (T>C on the coding strand, the complement: PMP2 is on the minus strand). VCF-style: chr8-81444908-A-G. GRCh37 (hg19) VCF-style: chr8-82357143-A-G.
Other names: c.74-307T>C (NM_001348381.2); short protein forms I52T.
Identifiers: ClinVar variation 599406 (VCV000599406.14), dbSNP rs1563518388, ClinGen allele CA371518056.

ClinVar aggregate classification (germline): Pathogenic/Likely pathogenic. Review status: criteria provided, multiple submitters, no conflicts (2 of 4 stars). 7 submissions from 7 submitters: Pathogenic (2); Likely pathogenic (4). 1 of the submissions does not count toward it. Last evaluated 2025-09-16.

Conditions:
Charcot-Marie-Tooth disease, demyelinating, type 1G (CMT1G). Identifiers: Orphanet 476394, MedGen C4748940, MONDO:0033135, OMIM 618279.
Inborn genetic diseases. Identifiers: MedGen C0950123, MeSH D030342.

Submissions (7):

Ambry Genetics
Classification: Likely pathogenic for Inborn genetic diseases. Last evaluated: 2025-09-16. Review status: criteria provided, single submitter. Criteria: Ambry Variant Classification Scheme 2023. Collection method: clinical testing. Allele origin: germline.
Comment: The c.155T>C (p.I52T) alteration is located in coding exon 2 of the PMP2 gene. This alteration results from a T to C substitution at nucleotide position 155, causing the isoleucine (I) at amino acid position 52 to be replaced by a threonine (T). This variant was not reported in population-based cohorts in the Genome Aggregation Database (gnomAD). This variant was reported in individual(s) with features consistent with PMP2-related Charcot-Marie-Tooth Disease type 1; in at least one individual, it was determined to be de novo and segregated with disease in at least one family (Ambry internal data; Motley, 2016; Punetha, 2018; Kulsirichawaroj, 2024). This amino acid position is well conserved in available vertebrate species. The p.I52 amino acid is located in the highly-conserved ligand-binding core domain of PMP2 (Hong, 2016; Motley, 2016). Functional analysis showed the p.I52T alteration affects protein aggregation tendency and dynamics (Ruskamo, 2017). This alteration is predicted to be tolerated by in silico analysis. Based on the available evidence, this alteration is classified as likely pathogenic.

Labcorp Genetics (formerly Invitae), Labcorp
Classification: Pathogenic. Last evaluated: 2025-01-07. Review status: criteria provided, single submitter. Criteria: Invitae Variant Classification Sherloc (09022015). Collection method: clinical testing. Allele origin: germline.
Comment: This sequence change replaces isoleucine, which is neutral and non-polar, with threonine, which is neutral and polar, at codon 52 of the PMP2 protein (p.Ile52Thr). This variant is not present in population databases (gnomAD no frequency). This missense change has been observed in individual(s) with Charcot-Marie-Tooth disease (PMID: 27009151, 30249361). In at least one individual the variant was observed to be de novo. It has also been observed to segregate with disease in related individuals. ClinVar contains an entry for this variant (Variation ID: 599406). An algorithm developed to predict the effect of missense changes on protein structure and function (PolyPhen-2) suggests that this variant is likely to be disruptive. Experimental studies have shown that this missense change affects PMP2 function (PMID: 28747762). For these reasons, this variant has been classified as Pathogenic.

MGZ Medical Genetics Center
Classification: Likely pathogenic for Charcot-Marie-Tooth disease, demyelinating, type 1G. Last evaluated: 2022-07-15. Review status: criteria provided, single submitter. Criteria: ACMG Guidelines, 2015. Collection method: clinical testing. Allele origin: germline. Affected: yes. Observed: 1 variant allele.
Comment: ACMG criteria applied: PM6_STR, PM1_SUP, PM2_SUP, PP1

Johns Hopkins Genomics, Johns Hopkins University
Classification: Likely pathogenic for Charcot-Marie-Tooth disease, demyelinating, type 1G. Last evaluated: 2021-02-10. Review status: criteria provided, single submitter. Criteria: ACMG Guidelines, 2015. Collection method: clinical testing. Allele origin: germline.
Comment: This PMP2 variant has been identified in multiple multi-generation families segregating autosomal dominant Charcot-Marie-Tooth disease including one instance where it was reported to be a de novo change in an affected individual. c.155T>C is absent from a large population database. This variant has been reported in ClinVar. Three bioinformatic tools queried predict that this substitution would be damaging, however these algorithms are optimized for loss of function variants. The isoleucine residue at this position is conserved across most species assessed and there is functional evidence that this substitution may result in decreased myelin stability and altered protein dynamics. We consider c.155T>C to be likely pathogenic.

CENTOGENE GmbH and LLC - Guiding Precision Medicine
Classification: Pathogenic for Charcot-Marie-Tooth disease, demyelinating, type 1G. Last evaluated: 2019-07-19. Review status: criteria provided, single submitter. Criteria: ACMG Guidelines, 2015. Collection method: clinical testing. Allele origin: de novo. Affected: yes.

Lupski Lab, Baylor-Hopkins CMG, Baylor College of Medicine
Classification: Likely pathogenic for Charcot-Marie-Tooth disease, demyelinating, type 1G. Last evaluated: 2018-11-01. Review status: criteria provided, single submitter. Criteria: Punetha et al. (Mol Genet Metab. 2018). Collection method: research. Allele origin: germline. Inheritance: Autosomal dominant inheritance. Affected: yes. Observed: 1 heterozygote.
Comment: We found a PMP2 variant c.155Tâ€¯>â€¯C, p.(Ile52Thr) that segregates with the disease in 4 affected individuals of a multi-generational family.

OMIM
Classification: Pathogenic for CHARCOT-MARIE-TOOTH DISEASE, DEMYELINATING, TYPE 1G. Last evaluated: 2025-02-19. Review status: no assertion criteria provided. Collection method: literature only. Allele origin: germline. Not counted in ClinVar's aggregate classification.

Literature cited by the submitters: PubMed 26828946 (cited by Ambry Genetics); PubMed 27009151 (cited by 4 submitters); PubMed 28747762 (cited by 3 submitters); PubMed 30249361 (cited by 4 submitters); PubMed 37927275 (cited by Ambry Genetics); PubMed 26257172 (cited by Johns Hopkins Genomics, Johns Hopkins University); PubMed 30941082 (cited by Johns Hopkins Genomics, Johns Hopkins University); PubMed 31412900 (cited by Johns Hopkins Genomics, Johns Hopkins University); PubMed 32277537 (cited by Johns Hopkins Genomics, Johns Hopkins University).